The following is an entry in ClinVar:

GRCh38/hg38 Xp22.33(chrX:542199-1828937)x1

Genes: AKAP17A (A-kinase anchoring protein 17A; plus strand), ASMT (acetylserotonin O-methyltransferase; plus strand), ASMTL (acetylserotonin O-methyltransferase like; minus strand), ASMTL-AS1 (ASMTL antisense RNA 1; plus strand), CNE-2 (CNE-2 enhancer upstream of SHOX; plus strand) and 17 more. Cytogenetic location: Xp22.33.
Variant type: copy number loss.
Change: copy number 1 of chrX:542,199-1,828,937 (1.29 Mb, GRCh38 coordinates, 1-based), cytogenetic band Xp22.33.
Identifiers: ClinVar variation 5038304 (VCV005038304.1).

ClinVar aggregate classification (germline): Pathogenic (1 of 4 stars; one submission).

Submission:

Clinical Genomics Laboratory, Laboratory for Precision Diagnostics, University of Washington
Classification: Pathogenic. Last evaluated: 2025-07-21. Review status: criteria provided, single submitter. Criteria: ACMG/ClinGen CNV Guidelines, 2019. Collection method: clinical testing. Allele origin: paternal. Affected: yes. Observed: 1 variant allele.
Comment: This interstitial deletion is approximately 1.29 Mb in size and contains 9 protein-coding genes, including SHOX (OMIM 312865). The SHOX gene is located in the pseudoautosomal region of the X and Y chromosomes, a region of homology similar to that seen in autosomes. Thus, most people have two functioning copies of SHOX, regardless of their sex chromosomes. Having only one functioning copy of SHOX causes a spectrum of findings, including nonspecific short stature, mesomelia (shortening of the middle portion of a limb compared to the upper portion), and an atypical alignment of radius, ulna, and carpal bones at the wrist.